The following is an entry in ClinVar:

NM_021930.6(RINT1):c.1407C>G (p.Asp469Glu)

Gene: RINT1 (RAD50 interactor 1; plus strand). Cytogenetic location: 7q22.3.
Variant type: single nucleotide variant.
Coding change: c.1407C>G on transcript NM_021930.6 (MANE Select); coding-DNA position 1407, C replaced by G.
Protein change: p.Asp469Glu; replaces aspartic acid 469 with glutamic acid.
Molecular consequence: missense variant. On other transcripts: non-coding transcript variant (1).
Genome position (GRCh38, 1-based): chr7:105,551,643, C>G. VCF-style: chr7-105551643-C-G. GRCh37 (hg19) VCF-style: chr7-105192090-C-G.
Other names: c.1173C>G, p.Asp391Glu (NM_001346599.2); c.384C>G, p.Asp128Glu (NM_001346600.2, NM_001346603.2); c.483C>G, p.Asp161Glu (NM_001346601.2); short protein forms D128E, D161E, D391E, D469E.
Identifiers: ClinVar variation 1022072 (VCV001022072.12), dbSNP rs536496735, ClinGen allele CA368810167.

ClinVar aggregate classification (germline): Uncertain significance. Review status: criteria provided, multiple submitters, no conflicts (2 of 4 stars). 2 submissions from 2 submitters: Uncertain significance (2). Last evaluated 2024-07-02.

gnomAD v4.1: 3 of 1,611,960 alleles (0.00019%); highest among the groups gnomAD compares: South Asian, 0.0011%; no homozygotes.

Submissions (2):

Ambry Genetics
Classification: Uncertain significance. Last evaluated: 2024-07-02. Review status: criteria provided, single submitter. Criteria: Ambry Variant Classification Scheme 2023. Collection method: clinical testing. Allele origin: germline.
Comment: The p.D469E variant (also known as c.1407C>G), located in coding exon 10 of the RINT1 gene, results from a C to G substitution at nucleotide position 1407. The aspartic acid at codon 469 is replaced by glutamic acid, an amino acid with highly similar properties. This amino acid position is conserved. In addition, this alteration is predicted to be tolerated by in silico analysis. Since supporting evidence is limited at this time, the clinical significance of this alteration remains unclear.

Labcorp Genetics (formerly Invitae), Labcorp
Classification: Uncertain significance. Last evaluated: 2017-09-03. Review status: criteria provided, single submitter. Criteria: Invitae Variant Classification Sherloc (09022015). Collection method: clinical testing. Allele origin: germline.
Comment: In summary, the available evidence is currently insufficient to determine the role of this variant in disease. Therefore, it has been classified as a Variant of Uncertain Significance. Algorithms developed to predict the effect of missense changes on protein structure and function (SIFT, PolyPhen-2, Align-GVGD) all suggest that this variant is likely to be tolerated, but these predictions have not been confirmed by published functional studies and their clinical significance is uncertain. This variant has not been reported in the literature in individuals with RINT1-related disease. This variant is not present in population databases (ExAC no frequency). This sequence change replaces aspartic acid with glutamic acid at codon 469 of the RINT1 protein (p.Asp469Glu). The aspartic acid residue is moderately conserved and there is a small physicochemical difference between aspartic acid and glutamic acid.